The following is an entry in ClinVar:

ClinVar aggregate classification (germline): Uncertain significance (1 of 4 stars; one submission).

Submission:

GeneDx
Classification: Uncertain significance. Last evaluated: 2024-11-12. Review status: criteria provided, single submitter. Criteria: GeneDx Variant Classification Process June 2021. Collection method: clinical testing. Allele origin: germline. Affected: yes.
Comment: Not observed at significant frequency in large population cohorts (gnomAD); In silico analysis supports that this missense variant has a deleterious effect on protein structure/function; Has not been previously published as pathogenic or benign to our knowledge

NM_022168.4(IFIH1):c.2431A>C (p.Thr811Pro)

Gene: IFIH1 (interferon induced with helicase C domain 1; minus strand). Cytogenetic location: 2q24.2.
Variant type: single nucleotide variant.
Coding change: c.2431A>C on transcript NM_022168.4 (MANE Select); coding-DNA position 2431, A replaced by C.
Protein change: p.Thr811Pro; replaces threonine 811 with proline.
Molecular consequence: missense variant.
Genome position (GRCh38, 1-based): chr2:162,273,818, T>G on the plus strand (A>C on the coding strand, the complement: IFIH1 is on the minus strand). VCF-style: chr2-162273818-T-G. GRCh37 (hg19) VCF-style: chr2-163130328-T-G.
Other names: short protein forms T811P.
Identifiers: ClinVar variation 3898822 (VCV003898822.1).